The following is an entry in ClinVar:

NM_007327.4(GRIN1):c.855G>A (p.Val285=)

Gene: GRIN1 (glutamate ionotropic receptor NMDA type subunit 1; plus strand). Cytogenetic location: 9q34.3.
Variant type: single nucleotide variant.
Coding change: c.855G>A on transcript NM_007327.4 (MANE Select); coding-DNA position 855, G replaced by A.
Protein change: p.Val285=; no amino-acid change (valine 285 retained).
Molecular consequence: synonymous variant.
Genome position (GRCh38, 1-based): chr9:137,156,924, G>A. VCF-style: chr9-137156924-G-A. GRCh37 (hg19) VCF-style: chr9-140051376-G-A.
Other names: p.Val285=; c.855G>A, p.Val285= (NM_000832.7, NM_021569.4); c.918G>A, p.Val306= (NM_001185090.2, NM_001185091.2).
Identifiers: ClinVar variation 129183 (VCV000129183.26), dbSNP rs1126442, ClinGen allele CA153027.

ClinVar aggregate classification (germline): Benign. Review status: criteria provided, multiple submitters, no conflicts (2 of 4 stars). 10 submissions from 9 submitters: Benign (9). 1 of the submissions does not count toward it. Last evaluated 2026-02-03.

Conditions:
Neurodevelopmental disorder with or without hyperkinetic movements and seizures, autosomal dominant. Also called: Intellectual disability, autosomal dominant 8. Identifiers: MedGen C3280282, MONDO:0013655, OMIM 614254.
Neurodevelopmental disorder with or without hyperkinetic movements and seizures, autosomal recessive. Identifiers: MedGen C4693325, MONDO:0060629, OMIM 617820.
Inborn genetic diseases. Identifiers: MedGen C0950123, MeSH D030342.

Allele frequency attached by ClinVar (database versions not stated): 1000 Genomes Project 0.13958; 1000 Genomes Project 30x 0.13976; TOPMed 0.21206; gnomAD 0.23307 and 0.23587; ESP Exome Variant Server 0.23336; gnomAD exomes 0.25931 and 0.30298; ExAC 0.26785.
gnomAD v4.1: 475,670 of 1,611,588 alleles (30%); highest among the groups gnomAD compares: Non-Finnish European, 33%; 76,416 homozygotes.

Submissions (10):

Labcorp Genetics (formerly Invitae), Labcorp
Classification: Benign for Neurodevelopmental disorder with or without hyperkinetic movements and seizures, autosomal dominant. Last evaluated: 2026-02-03. Review status: criteria provided, single submitter. Criteria: Invitae Variant Classification Sherloc (09022015). Collection method: clinical testing. Allele origin: germline.

Blueprint Genetics
Classification: Benign. Last evaluated: 2024-11-27. Review status: criteria provided, single submitter. Criteria: ACMG Guidelines, 2015. Collection method: clinical testing. Allele origin: germline.

Unidad de Genómica Garrahan, Hospital de Pediatría Garrahan
Classification: Benign. Last evaluated: 2024-07-15. Review status: criteria provided, single submitter. Criteria: ACMG Guidelines, 2015. Collection method: clinical testing. Allele origin: germline. Affected: no. Observed: 45 variant alleles.
Comment: This variant is classified as Benign based on local population frequency. This variant was detected in 48% of patients studied in a panel designed for Epileptic and Developmental Encephalopathy and Progressive Myoclonus Epilepsy. Number of patients: 45. Only high quality variants are reported.

Genome-Nilou Lab
Classification: Benign for Neurodevelopmental disorder with or without hyperkinetic movements and seizures, autosomal dominant. Last evaluated: 2021-08-10. Review status: criteria provided, single submitter. Criteria: ACMG Guidelines, 2015. Collection method: clinical testing. Allele origin: germline. Affected: no.

Genome-Nilou Lab
Classification: Benign for Neurodevelopmental disorder with or without hyperkinetic movements and seizures, autosomal recessive. Last evaluated: 2021-08-10. Review status: criteria provided, single submitter. Criteria: ACMG Guidelines, 2015. Collection method: clinical testing. Allele origin: germline. Affected: no.

Mayo Clinic Laboratories, Mayo Clinic
Classification: Benign. Last evaluated: 2018-04-02. Review status: criteria provided, single submitter. Criteria: ACMG Guidelines, 2015. Collection method: clinical testing. Allele origin: germline. Observed: 240 variant alleles.

GeneDx
Classification: Benign. Last evaluated: 2016-01-07. Review status: criteria provided, single submitter. Criteria: GeneDx Variant Classification (06012015). Collection method: clinical testing. Allele origin: germline. Affected: yes.
Comment: This variant is considered likely benign or benign based on one or more of the following criteria: it is a conservative change, it occurs at a poorly conserved position in the protein, it is predicted to be benign by multiple in silico algorithms, and/or has population frequency not consistent with disease.

Ambry Genetics
Classification: Benign for Inborn genetic diseases. Last evaluated: 2015-12-31. Review status: criteria provided, single submitter. Criteria: Ambry Variant Classification Scheme 2023. Collection method: clinical testing. Allele origin: germline.

Breakthrough Genomics
Classification: Benign. Review status: criteria provided, single submitter. Criteria: ACMG Guidelines, 2015. Collection method: not provided. Allele origin: germline. Inheritance: Autosomal recessive inheritance. Affected: yes.

Genetic Services Laboratory, University of Chicago
Classification: Likely benign for AllHighlyPenetrant. Review status: no assertion criteria provided. Collection method: clinical testing. Allele origin: germline. Inheritance: Autosomal dominant inheritance. Not counted in ClinVar's aggregate classification.
Comment: Likely benign based on allele frequency in 1000 Genomes Project or ESP global frequency and its presence in a patient with a rare or unrelated disease phenotype. NOT Sanger confirmed.